The following is an entry in ClinVar:

ClinVar aggregate classification (germline): Uncertain significance (1 of 4 stars; one submission).

Submission:

Women's Health and Genetics/Laboratory Corporation of America, LabCorp
Classification: Uncertain significance. Last evaluated: 2024-07-09. Review status: criteria provided, single submitter. Criteria: LabCorp Variant Classification Summary - May 2015. Collection method: clinical testing. Allele origin: germline.
Comment: Variant summary: SURF1 c.539G>A (p.Gly180Glu) results in a non-conservative amino acid change in the encoded protein sequence. Five of five in-silico tools predict a damaging effect of the variant on protein function. The frequency data for this variant in gnomAD is considered unreliable, as metrics indicate poor data quality at this position. c.539G>A has been reported in the literature in the compound heterozygous state in at least one individual affected with COX deficiency. These data do not allow any conclusion about variant significance (e.g. Von Kleist-Retzow_2001). One publication reports experimental evidence evaluating an impact on protein function, however, does not allow convincing conclusions about the variant effect (e.g. Von Kleist-Retzow_2001). This variant is also known as c.553G>A. The following publication have been ascertained in the context of this evaluation (PMID: 11288709). No submitters have cited clinical-significance assessments for this variant to ClinVar. Based on the evidence outlined above, the variant was classified as uncertain significance.

Literature cited by the submitters: PubMed 11288709.

NM_003172.4(SURF1):c.539G>A (p.Gly180Glu)

Gene: SURF1 (SURF1 cytochrome c oxidase assembly factor; minus strand). Cytogenetic location: 9q34.2.
Variant type: single nucleotide variant.
Coding change: c.539G>A on transcript NM_003172.4 (MANE Select); coding-DNA position 539, G replaced by A.
Protein change: p.Gly180Glu; replaces glycine 180 with glutamic acid.
Molecular consequence: missense variant.
Genome position (GRCh38, 1-based): chr9:133,352,743, C>T on the plus strand (G>A on the coding strand, the complement: SURF1 is on the minus strand). VCF-style: chr9-133352743-C-T. GRCh37 (hg19) VCF-style: chr9-136219598-C-T.
Other names: c.212G>A, p.Gly71Glu (NM_001280787.1); short protein forms G180E, G71E.
Identifiers: ClinVar variation 3338996 (VCV003338996.1).
Genomic context (GRCh38, chr9:133,352,743, plus strand): 5'-ATGTCCCTTACCTGGCCTTTCTGCCGGGTTTCAGGATTCACTTTCTTCCTGGGAACGAAC[C>T]CTCTATTTACCAGGATGGTGACTCTAGGGTAATGAAAGTGCTACTTCAGGTGGGGAGGGT-3'
Protein context (NP_003163.1, residues 170-190): DLGVTILVNR[Gly180Glu]FVPRKKVNPE